The following is an entry in ClinVar:

ClinVar aggregate classification (germline): Pathogenic/Likely pathogenic. Review status: criteria provided, multiple submitters, no conflicts (2 of 4 stars). 3 submissions from 3 submitters: Pathogenic (1); Likely pathogenic (2). Last evaluated 2023-02-10.

Conditions:
Myopathy, lactic acidosis, and sideroblastic anemia 1 (MLASA1). Identifiers: Orphanet 2598, MedGen C4551958, MONDO:0024553, OMIM 600462.

Submissions (3):

Kariminejad - Najmabadi Pathology & Genetics Center
Classification: Pathogenic for Myopathy, lactic acidosis, and sideroblastic anemia 1. Last evaluated: 2023-02-10. Review status: criteria provided, single submitter. Criteria: ACMG Guidelines, 2015. Collection method: clinical testing. Allele origin: germline. Inheritance: Autosomal recessive inheritance. Affected: yes.
Comment: PM2, PVS1, PP5

Baylor Genetics
Classification: Likely pathogenic for Myopathy, lactic acidosis, and sideroblastic anemia 1. Last evaluated: 2022-08-24. Review status: criteria provided, single submitter. Criteria: ACMG Guidelines, 2015. Collection method: clinical testing. Allele origin: unknown.

Genomic Research Center, Shahid Beheshti University of Medical Sciences
Classification: Likely pathogenic for Myopathy, lactic acidosis, and sideroblastic anemia 1. Last evaluated: 2018-08-07. Review status: criteria provided, single submitter. Criteria: ACMG Guidelines, 2015. Collection method: clinical testing. Allele origin: inherited. Affected: no. Observed: 1 variant allele.

NM_025215.6(PUS1):c.813del (p.Phe272fs)

Gene: PUS1 (pseudouridine synthase 1; plus strand). Cytogenetic location: 12q24.33.
Variant type: Deletion.
Coding change: c.813del on transcript NM_025215.6 (MANE Select); coding-DNA position 813, one base deleted (C; older notation c.813delC).
Protein change: p.Phe272fs; shifts the reading frame from phenylalanine 272.
Molecular consequence: frameshift variant.
Genome position (GRCh38, 1-based): chr12:131,941,560, C deleted; the last of 3 consecutive C bases (chr12:131,941,558-131,941,560); deleting any one gives the same sequence. VCF-style (leftmost placement, unchanged base first): chr12-131941557-AC-A. GRCh37 (hg19) VCF-style: chr12-132426102-AC-A.
Other names: c.813delC (NM_025215.6); c.729del, p.Phe244fs (NM_001002019.3, NM_001002020.3); short protein forms F272fs, F244fs.
Identifiers: ClinVar variation 587566 (VCV000587566.6), dbSNP rs1566148136, ClinGen allele CA891843562.
Genomic context (GRCh38, chr12:131,941,557, plus strand): 5'-GCAGAAGGGGCCGCAGGATCCCAGTGCCTGCCGCTACATCCTGGAGATGTACTGCGAGGA[AC>A]CCTTTGTGCGGGAGGGCCTGGAGTTTGCGGTGATCAGGGTGAAGGGCCAGAGCTTCATGA-3'